The following is an entry in ClinVar:

ClinVar aggregate classification (germline): Likely benign. Review status: criteria provided, single submitter (1 of 4 stars). 2 submissions from 2 submitters: Likely benign (1). 1 of the submissions does not count toward it. Last evaluated 2026-01-09.

Conditions:
NALCN-related disorder. Also called: NALCN-related disorders; NALCN-related condition.

Allele frequency attached by ClinVar (database versions not stated): ExAC 0.00032; gnomAD 0.00032 and 0.00034; gnomAD exomes 0.00035 and 0.00082; ESP Exome Variant Server 0.00038; TOPMed 0.00048.
gnomAD v4.1: 1,224 of 1,611,504 alleles (0.076%); highest among the groups gnomAD compares: Non-Finnish European, 0.1%; 4 homozygotes.

Submissions (2):

Labcorp Genetics (formerly Invitae), Labcorp
Classification: Likely benign. Last evaluated: 2026-01-09. Review status: criteria provided, single submitter. Criteria: Invitae Variant Classification Sherloc (09022015). Collection method: clinical testing. Allele origin: germline.

PreventionGenetics, part of Exact Sciences
Classification: Likely benign for NALCN-related condition. Last evaluated: 2019-08-01. Review status: no assertion criteria provided. Collection method: clinical testing. Allele origin: germline. Not counted in ClinVar's aggregate classification.
Comment: This variant is classified as likely benign based on ACMG/AMP sequence variant interpretation guidelines (Richards et al. 2015 PMID: 25741868, with internal and published modifications).

NM_052867.4(NALCN):c.3057+8A>T

Gene: NALCN (sodium leak channel, non-selective; minus strand). Cytogenetic location: 13q33.1.
Variant type: single nucleotide variant.
Coding change: c.3057+8A>T on transcript NM_052867.4 (MANE Select); 8 bases into the intron after coding-DNA position 3057, A replaced by T.
Molecular consequence: intron variant.
Genome position (GRCh38, 1-based): chr13:101,103,164, T>A on the plus strand (A>T on the coding strand, the complement: NALCN is on the minus strand). VCF-style: chr13-101103164-T-A. GRCh37 (hg19) VCF-style: chr13-101755515-T-A.
Other names: c.2970+8A>T (NM_001350751.2, NM_001350750.2); c.3057+8A>T (NM_001350749.2); c.3144+8A>T (NM_001350748.2).
Identifiers: ClinVar variation 760317 (VCV000760317.10), dbSNP rs371743357, ClinGen allele CA7035515.